The following is an entry in ClinVar:

ClinVar aggregate classification (germline): Pathogenic/Likely pathogenic. Review status: criteria provided, multiple submitters, no conflicts (2 of 4 stars). 11 submissions from 11 submitters: Pathogenic (4); Likely pathogenic (7). Last evaluated 2026-08-01.

Conditions:
NTHL1-related disorder. Also called: NTHL1-related condition; NTHL1-related conditions.
Familial adenomatous polyposis 3. Also called: NTHL1-Related Adenomatous Polyposis and Colorectal Cancer; NTHL1-associated polyposis; NTHL1-related attenuated familial adenomatous polyposis; NTHL1 Tumor Syndrome. Identifiers: Orphanet 220460, Orphanet 454840, MedGen C4225157, MONDO:0014630, OMIM 616415.
Hereditary cancer-predisposing syndrome. Also called: Tumor predisposition; Hereditary neoplastic syndrome; Hereditary Cancer Syndrome; Neoplastic Syndromes, Hereditary. Identifiers: Orphanet 140162, MedGen C0027672, MeSH D009386, MONDO:0015356.

Allele frequency attached by ClinVar (database versions not stated): gnomAD 0.00002; gnomAD exomes 0.00004; TOPMed 0.00004; ExAC 0.00007.
gnomAD v4.1: 36 of 1,577,246 alleles (0.0023%); highest among the groups gnomAD compares: Admixed American, 0.0069%; 1 homozygote.

Submissions (11):

PreventionGenetics, part of Exact Sciences
Classification: Likely pathogenic for NTHL1-related condition. Last evaluated: 2026-08-01. Review status: criteria provided, single submitter. Criteria: ACMG Guidelines, 2015. Collection method: clinical testing. Allele origin: germline.
Comment: The NTHL1 c.139+1G>A variant is predicted to disrupt the GT donor site and interfere with normal splicing. This variant, also described as c.115+1G>A on the NM_002528.7 transcript, has been reported in the homozygous or compound heterozygous state with a second NTHL1 variant in individuals with colorectal cancer and/or polyps, uterine fibromas, endometrial cancer, and uterine leiomyosarcoma (Boulouard et al. 2021. PubMed ID: 33454955; Levine et al. 2021. PubMed ID: 34994648; Pinto et al. 2023. PubMed ID: 37727376). This variant is reported in 0.0093% of alleles in individuals of Latino descent in gnomAD and is interpreted as likely pathogenic and pathogenic in ClinVar (Variation ID: 656884). Variants that disrupt the consensus splice donor site in NTHL1 are expected to be pathogenic. This variant is interpreted as likely pathogenic for autosomal recessive NTHL1-related cancer predisposition.

Dasa
Classification: Pathogenic. Last evaluated: 2026-04-01. Review status: criteria provided, single submitter. Criteria: DASA Assertion Criteria. Collection method: clinical testing. Allele origin: germline.
Comment: NM_002528.7(NTHL1):c.115+1G>A alters a canonical splice donor site predicted to disrupt normal RNA splicing and result in loss of normal protein function. Loss-of-function is an established mechanism of disease for this gene, with reports in individuals with NTHL1-associated polyposis. Based on the available data, this variant is classified as pathogenic.

Labcorp Genetics (formerly Invitae), Labcorp
Classification: Likely pathogenic. Last evaluated: 2026-01-31. Review status: criteria provided, single submitter. Criteria: Invitae Variant Classification Sherloc (09022015). Collection method: clinical testing. Allele origin: germline.
Comment: This sequence change affects a donor splice site in intron 1 of the NTHL1 gene. It is expected to disrupt RNA splicing. Variants that disrupt the donor or acceptor splice site typically lead to a loss of protein function (PMID: 16199547), and loss-of-function variants in NTHL1 are known to be pathogenic (PMID: 25938944, 26559593). The frequency data for this variant in the population databases is considered unreliable, as metrics indicate poor data quality at this position in the gnomAD database. Disruption of this splice site has been observed in individual(s) with clinical features of NTHL1-related conditions (PMID: 33454955). This variant is also known as c.115+1G>A. ClinVar contains an entry for this variant (Variation ID: 656884). RNA analysis provides insufficient evidence to determine the effect of this variant on NTHL1 splicing (internal data). In summary, the currently available evidence indicates that the variant is pathogenic, but additional data are needed to prove that conclusively. Therefore, this variant has been classified as Likely Pathogenic.

GeneDx
Classification: Likely pathogenic. Last evaluated: 2025-08-05. Review status: criteria provided, single submitter. Criteria: GeneDx Variant Classification Process June 2021. Collection method: clinical testing. Allele origin: germline. Affected: yes.
Comment: Canonical splice site variant predicted to result in a null allele in a gene for which loss of function is a known mechanism of disease; Identified in two siblings with NTHL1-related features; although parental testing was not completed, the variant was reported as compound heterozygous with a second pathogenic NTHL1 variant in the proband and as apparently homozygous in the sibling (PMID: 33454955); Reported with a second pathogenic NTHL1 variant in an individual with personal history of endometrial and breast cancer (PMID: 34994648); Not observed at significant frequency in large population cohorts (gnomAD); This variant is associated with the following publications: (PMID: 16199547, 25938944, 26559593, 34308104, 29625052, 36196035, 33454955, 36451132, 37727376, 34994648)

Baylor Genetics
Classification: Pathogenic for Familial adenomatous polyposis 3. Last evaluated: 2023-11-21. Review status: criteria provided, single submitter. Criteria: ACMG Guidelines, 2015. Collection method: clinical testing. Allele origin: unknown.

Ambry Genetics
Classification: Pathogenic for Hereditary cancer-predisposing syndrome. Last evaluated: 2023-11-15. Review status: criteria provided, single submitter. Criteria: Ambry Variant Classification Scheme 2023. Collection method: clinical testing. Allele origin: germline.
Comment: The c.139+1G>A intronic pathogenic mutation results from a G to A substitution one nucleotide after coding exon 1 of the NTHL1 gene. This nucleotide position is highly conserved in available vertebrate species. In silico splice site analysis predicts that this alteration will weaken the native splice donor site; however, direct evidence is insufficient at this time (Ambry internal data). Alterations that disrupt the canonical splice site are expected to cause aberrant splicing, resulting in an abnormal protein or a transcript that is subject to nonsense-mediated mRNA decay. As such, this alteration is classified as a disease-causing mutation.

Myriad Genetics, Inc.
Classification: Likely pathogenic for Familial adenomatous polyposis 3. Last evaluated: 2023-08-31. Review status: criteria provided, single submitter. Criteria: Myriad Autosomal Dominant, Autosomal Recessive and X-Linked Classification Criteria (2023). Collection method: clinical testing. Allele origin: unknown.
Comment: This variant is considered likely pathogenic. This variant occurs within a consensus splice junction and is predicted to result in abnormal mRNA splicing of either an out-of-frame exon or an in-frame exon necessary for protein stability and/or normal function.

Laboratorio de Genetica e Diagnostico Molecular, Hospital Israelita Albert Einstein
Classification: Likely pathogenic for Familial adenomatous polyposis 3. Last evaluated: 2023-01-20. Review status: criteria provided, single submitter. Criteria: ACMG Guidelines, 2015. Collection method: clinical testing. Allele origin: germline. Affected: yes. Observed: 1 variant allele.
Comment: ACMG classification criteria: PVS1 very strong, PM2 moderated

Quest Diagnostics Nichols Institute San Juan Capistrano
Classification: Pathogenic. Last evaluated: 2022-09-13. Review status: criteria provided, single submitter. Criteria: Quest Diagnostics criteria. Collection method: clinical testing. Allele origin: unknown.
Comment: This variant disrupts a canonical splice-donor site and interferes with normal NTHL1 mRNA splicing. The frequency of this variant in the general population, 0.000095 (4/42328 chromosomes), is consistent with pathogenicity. In the published literature, the variant has been reported in compound heterozygous with the pathogenic variant NTHL1 c.244C>T (p.Gln82Ter) in an individual with colorectal cancer or polyposis (PMID: 33454955 (2021)), and with the pathogenic variant NTHL1 c.268C.T (p.Gln90*) in another individual with breast and endometrial cancers, and in the homozygous state in an individual with other types of cancer (PMID: 33454955 (2021)). Based on the available information, this variant is classified as pathogenic.

Sema4
Classification: Likely pathogenic for Hereditary cancer-predisposing syndrome. Last evaluated: 2022-03-17. Review status: criteria provided, single submitter. Criteria: Sema4 Curation Guidelines. Collection method: curation. Allele origin: germline.
Comment: To the best of our knowledge, the NTHL1 c.139+1G>A variant has not been reported in patients with NTHL1-related disease. It is also known as c.115+1G>A in the literature. This variant is predicted to abolish the canonical splice site leading to an abnormal or absent protein. Loss of function variants in NTHL1 are known to be pathogenic (PMID: 25938944). This variant was observed in 1/32392 chromosomes in the Latino/Admixed American population, according to the Genome Aggregation Database (PMID: 32461654). The variant has been reported in ClinVar (Variation ID 29625052). Based on the current evidence available, this variant is interpreted as likely pathogenic.

Mendelics
Classification: Likely pathogenic for Familial adenomatous polyposis 3. Last evaluated: 2019-05-28. Review status: criteria provided, single submitter. Criteria: Mendelics Assertion Criteria 2017. Collection method: clinical testing. Allele origin: unknown.

Literature cited by the submitters: PubMed 33454955 (cited by 3 submitters); PubMed 16199547 (cited by Labcorp Genetics (formerly Invitae), Labcorp); PubMed 25938944 (cited by Labcorp Genetics (formerly Invitae), Labcorp and Sema4); PubMed 26559593 (cited by Labcorp Genetics (formerly Invitae), Labcorp); PubMed 34994648 (cited by Quest Diagnostics Nichols Institute San Juan Capistrano).

NM_002528.7(NTHL1):c.115+1G>A

Gene: NTHL1 (nth like DNA glycosylase 1; minus strand). Cytogenetic location: 16p13.3.
Variant type: single nucleotide variant.
Coding change: c.115+1G>A on transcript NM_002528.7 (MANE Select); the canonical splice donor site of the intron after coding-DNA position 115, G replaced by A.
Molecular consequence: splice donor variant.
Genome position (GRCh38, 1-based): chr16:2,047,708, C>T on the plus strand (G>A on the coding strand, the complement: NTHL1 is on the minus strand). VCF-style: chr16-2047708-C-T. GRCh37 (hg19) VCF-style: chr16-2097709-C-T.
Other names: c.-64+1G>A (NM_001318194.2); c.115+1G>A (NM_001318193.2).
Identifiers: ClinVar variation 656884 (VCV000656884.24), dbSNP rs749908882, ClinGen allele CA027520.